The following is an entry in ClinVar:

ClinVar aggregate classification (germline): Uncertain significance (1 of 4 stars; one submission).

Conditions:
RASopathy. Also called: Noonan spectrum disorder; rasopathies. Identifiers: Orphanet 536391, MedGen C5555857, MONDO:0021060.

Submission:

Labcorp Genetics (formerly Invitae), Labcorp
Classification: Uncertain significance for RASopathy. Last evaluated: 2024-05-21. Review status: criteria provided, single submitter. Criteria: Invitae Variant Classification Sherloc (09022015). Collection method: clinical testing. Allele origin: germline.
Comment: This sequence change replaces glycine, which is neutral and non-polar, with valine, which is neutral and non-polar, at codon 514 of the SHOC2 protein (p.Gly514Val). This variant is not present in population databases (gnomAD no frequency). This variant has not been reported in the literature in individuals affected with SHOC2-related conditions. An algorithm developed to predict the effect of missense changes on protein structure and function (PolyPhen-2) suggests that this variant is likely to be disruptive. Algorithms developed to predict the effect of sequence changes on RNA splicing suggest that this variant may disrupt the consensus splice site. In summary, the available evidence is currently insufficient to determine the role of this variant in disease. Therefore, it has been classified as a Variant of Uncertain Significance.

NM_007373.4(SHOC2):c.1541G>T (p.Gly514Val)

Gene: SHOC2 (SHOC2 leucine rich repeat scaffold protein; plus strand). Cytogenetic location: 10q25.2.
Variant type: single nucleotide variant.
Coding change: c.1541G>T on transcript NM_007373.4 (MANE Select); coding-DNA position 1541, G replaced by T.
Protein change: p.Gly514Val; replaces glycine 514 with valine.
Molecular consequence: missense variant. On other transcripts: non-coding transcript variant (1).
Genome position (GRCh38, 1-based): chr10:111,011,610, G>T. VCF-style: chr10-111011610-G-T. GRCh37 (hg19) VCF-style: chr10-112771368-G-T.
Other names: c.1403G>T, p.Gly468Val (NM_001269039.3); c.1541G>T, p.Gly514Val (NM_001324336.2, NM_001324337.2); short protein forms G514V, G468V.
Identifiers: ClinVar variation 3682864 (VCV003682864.2).